The following is an entry in ClinVar:

ClinVar aggregate classification (germline): Likely benign (1 of 4 stars; one submission).

Submission:

CeGaT Center for Human Genetics Tuebingen
Classification: Likely benign. Last evaluated: 2025-06-01. Review status: criteria provided, single submitter. Criteria: CeGaT Center For Human Genetics Tuebingen Variant Classification Criteria Version 2. Collection method: clinical testing. Allele origin: germline. Affected: yes. Observed: 1 variant allele.
Comment: KLHDC7B: BP4, BP7

NM_138433.5(KLHDC7B):c.144C>T (p.Ser48=)

Genes: KLHDC7B-DT (KLHDC7B divergent transcript; minus strand), KLHDC7B (kelch domain containing 7B; plus strand). Cytogenetic location: 22q13.33.
Variant type: single nucleotide variant.
Coding change: c.144C>T on transcript NM_138433.5 (MANE Select); coding-DNA position 144, C replaced by T.
Protein change: p.Ser48=; no amino-acid change (serine 48 retained).
Molecular consequence: synonymous variant.
Genome position (GRCh38, 1-based): chr22:50,546,387, C>T. VCF-style: chr22-50546387-C-T. GRCh37 (hg19) VCF-style: chr22-50984816-C-T.
Identifiers: ClinVar variation 3905458 (VCV003905458.10).